The following is an entry in ClinVar:

ClinVar aggregate classification (germline): Pathogenic/Likely pathogenic. Review status: criteria provided, multiple submitters, no conflicts (2 of 4 stars). 2 submissions from 2 submitters: Pathogenic (1); Likely pathogenic (1). Last evaluated 2025-03-18.

Conditions:
PHF21A-related disorder. Also called: PHF21A-related condition.

Submissions (2):

Labcorp Genetics (formerly Invitae), Labcorp
Classification: Pathogenic. Last evaluated: 2025-03-18. Review status: criteria provided, single submitter. Criteria: Invitae Variant Classification Sherloc (09022015). Collection method: clinical testing. Allele origin: germline.
Comment: This sequence change creates a premature translational stop signal (p.Val284Serfs*11) in the PHF21A gene. It is expected to result in an absent or disrupted protein product. Loss-of-function variants in PHF21A are known to be pathogenic (PMID: 30487643). This variant is not present in population databases (gnomAD no frequency). This variant has not been reported in the literature in individuals affected with PHF21A-related conditions. For these reasons, this variant has been classified as Pathogenic.

Blueprint Genetics
Classification: Likely pathogenic for PHF21A-related disorders. Last evaluated: 2022-10-31. Review status: criteria provided, single submitter. Criteria: ACMG Guidelines, 2015. Collection method: clinical testing. Allele origin: germline. Affected: yes. Observed: 2 variant alleles.

Literature cited by the submitters: PubMed 30487643 (cited by Labcorp Genetics (formerly Invitae), Labcorp).

NM_001352027.3(PHF21A):c.852del (p.Val285fs)

Gene: PHF21A (PHD finger protein 21A; minus strand). Cytogenetic location: 11p11.2.
Variant type: Deletion.
Coding change: c.852del on transcript NM_001352027.3 (MANE Select); coding-DNA position 852, one base deleted (C; older notation c.852delC).
Protein change: p.Val285fs; shifts the reading frame from valine 285.
Molecular consequence: frameshift variant. On other transcripts: non-coding transcript variant (2).
Genome position (GRCh38, 1-based): chr11:45,965,459, G deleted on the plus strand (C on the coding strand, the reverse complement: PHF21A is on the minus strand); the first of 4 consecutive G bases (chr11:45,965,459-45,965,462); deleting any one gives the same sequence. VCF-style (leftmost placement, unchanged base first): chr11-45965458-CG-C. GRCh37 (hg19) VCF-style: chr11-45987009-CG-C.
Other names: c.849del, p.Val284fs (NM_001101802.3, NM_001352030.3, NM_001352031.3 and 1 more transcripts); c.852del, p.Val285fs (NM_001352025.3, NM_001352026.3, NM_001352028.1 and 2 more transcripts); short protein forms V284fs, V285fs.
Identifiers: ClinVar variation 3615120 (VCV003615120.3).